The following is an entry in ClinVar:

ClinVar aggregate classification (germline): Benign. Review status: criteria provided, multiple submitters, no conflicts (2 of 4 stars). 2 submissions from 2 submitters: Benign (2). Last evaluated 2018-01-12.

Conditions:
Immunodeficiency-centromeric instability-facial anomalies syndrome 1 (ICF1). Identifiers: Orphanet 2268, MedGen C4551557, MONDO:0009454, OMIM 242860.

Allele frequency attached by ClinVar (database versions not stated): gnomAD exomes 0.66476; gnomAD 0.71093 and 0.71197; TOPMed 0.72578; 1000 Genomes Project 0.80471; 1000 Genomes Project 30x 0.80512.
gnomAD v4.1: 159,158 of 228,750 alleles (70%); highest among the groups gnomAD compares: East Asian, 91%; 57,214 homozygotes.

Submissions (2):

Illumina Laboratory Services, Illumina
Classification: Benign for Immunodeficiency-centromeric instability-facial anomalies syndrome 1. Last evaluated: 2018-01-12. Review status: criteria provided, single submitter. Criteria: ICSL Variant Classification Criteria 13 December 2019. Collection method: clinical testing. Allele origin: germline.
Comment: This variant was observed in the ICSL laboratory as part of a predisposition screen in an ostensibly healthy population. It had not been previously curated by ICSL or reported in the Human Gene Mutation Database (HGMD: prior to June 1st, 2018), and was therefore a candidate for classification through an automated scoring system. Utilizing variant allele frequency, disease prevalence and penetrance estimates, and inheritance mode, an automated score was calculated to assess if this variant is too frequent to cause the disease. Based on the score and internal cut-off values, a variant classified as benign is not then subjected to further curation. The score for this variant resulted in a classification of benign for this disease.

Breakthrough Genomics
Classification: Benign. Review status: criteria provided, single submitter. Criteria: ACMG Guidelines, 2015. Collection method: not provided. Allele origin: germline. Inheritance: Autosomal recessive inheritance. Affected: yes.

NM_006892.4(DNMT3B):c.*827A>G

Gene: DNMT3B (DNA methyltransferase 3 beta; plus strand). Cytogenetic location: 20q11.21.
Variant type: single nucleotide variant.
Coding change: c.*827A>G on transcript NM_006892.4 (MANE Select); 827 bases downstream of the stop codon, A replaced by G.
Molecular consequence: 3 prime UTR variant.
Genome position (GRCh38, 1-based): chr20:32,808,730, A>G. VCF-style: chr20-32808730-A-G. GRCh37 (hg19) VCF-style: chr20-31396536-A-G.
Other names: c.*827A>G (NM_001207055.2, NM_001207056.2, NM_175848.2 and 2 more transcripts).
Identifiers: ClinVar variation 338197 (VCV000338197.6), dbSNP rs2424932, ClinGen allele CA10653073.